The following is an entry in ClinVar:

NM_003906.5(MCM3AP):c.1998+7_1998+8insGACCAGGTAGAGCTGACC

Gene: MCM3AP (minichromosome maintenance complex component 3 associated protein; minus strand). Cytogenetic location: 21q22.3.
Variant type: Insertion.
Coding change: c.1998+7_1998+8insGACCAGGTAGAGCTGACC on transcript NM_003906.5 (MANE Select); bases 7 to 8 of the intron after coding-DNA position 1998, GACCAGGTAGAGCTGACC inserted.
Molecular consequence: splice donor variant.
Genome position: GRCh38 VCF-style: chr21-46275178-G-GGCTCTACCTGGTCGGTCA. GRCh37 (hg19) VCF-style: chr21-47695092-G-GGCTCTACCTGGTCGGTCA.
Identifiers: ClinVar variation 1523945 (VCV001523945.6), dbSNP rs769853094, ClinGen allele CA10076926.

ClinVar aggregate classification (germline): Uncertain significance (1 of 4 stars; one submission).

Submission:

Labcorp Genetics (formerly Invitae), Labcorp
Classification: Uncertain significance. Last evaluated: 2021-08-23. Review status: criteria provided, single submitter. Criteria: Invitae Variant Classification Sherloc (09022015). Collection method: clinical testing. Allele origin: germline.
Comment: This variant has not been reported in the literature in individuals affected with MCM3AP-related conditions. This sequence change falls in intron 6 of the MCM3AP gene. It does not directly change the encoded amino acid sequence of the MCM3AP protein. The frequency data for this variant in the population databases is considered unreliable, as metrics indicate poor data quality at this position in the ExAC database. Algorithms developed to predict the effect of sequence changes on RNA splicing suggest that this variant may create or strengthen a splice site. In summary, the available evidence is currently insufficient to determine the role of this variant in disease. Therefore, it has been classified as a Variant of Uncertain Significance.